The following is an entry in ClinVar:

NM_170707.4(LMNA):c.355C>T (p.Arg119Cys)

Gene: LMNA (lamin A/C; plus strand). Cytogenetic location: 1q22.
Variant type: single nucleotide variant.
Coding change: c.355C>T on transcript NM_170707.4 (MANE Select); coding-DNA position 355, C replaced by T.
Protein change: p.Arg119Cys; replaces arginine 119 with cysteine.
Molecular consequence: missense variant.
Genome position (GRCh38, 1-based): chr1:156,115,273, C>T. VCF-style: chr1-156115273-C-T. GRCh37 (hg19) VCF-style: chr1-156085064-C-T.
Other names: c.355C>T, p.Arg119Cys (NM_001282625.2, NM_001282626.2, NM_005572.4 and 1 more transcripts); short protein forms R119C.
Identifiers: ClinVar variation 1063231 (VCV001063231.11), dbSNP rs17856971, ClinGen allele CA30999287.

ClinVar aggregate classification (germline): Uncertain significance. Review status: criteria provided, multiple submitters, no conflicts (2 of 4 stars). 2 submissions from 2 submitters: Uncertain significance (2). Last evaluated 2024-02-13.

Conditions:
Charcot-Marie-Tooth disease type 2. Also called: Charcot-Marie-Tooth type 2. Identifiers: Orphanet 64746, MedGen C0270914, MONDO:0018993.
Cardiomyopathy (CMYO). Also called: Cardiomyopathies. Identifiers: Orphanet 167848, MedGen C0878544, MONDO:0004994, HP:0001638. Inheritance: Various modes of inheritance.

Submissions (2):

Color Diagnostics, LLC DBA Color Health
Classification: Uncertain significance for Cardiomyopathy. Last evaluated: 2024-02-13. Review status: criteria provided, single submitter. Criteria: ACMG Guidelines, 2015. Collection method: clinical testing. Allele origin: germline.
Comment: This missense variant replaces arginine with cysteine at codon 119 of the LMNA protein. Computational prediction tools indicate that this variant has a deleterious impact on protein structure and function. To our knowledge, functional studies have not been reported for this variant. This variant has not been reported in individuals affected with LMNA-related disorders in the literature. This variant has not been identified in the general population by the Genome Aggregation Database (gnomAD). The available evidence is insufficient to determine the role of this variant in disease conclusively. Therefore, this variant is classified as a Variant of Uncertain Significance.

Labcorp Genetics (formerly Invitae), Labcorp
Classification: Uncertain significance for Charcot-Marie-Tooth disease type 2. Last evaluated: 2022-09-01. Review status: criteria provided, single submitter. Criteria: Invitae Variant Classification Sherloc (09022015). Collection method: clinical testing. Allele origin: germline.
Comment: In summary, the available evidence is currently insufficient to determine the role of this variant in disease. Therefore, it has been classified as a Variant of Uncertain Significance. Algorithms developed to predict the effect of missense changes on protein structure and function (SIFT, PolyPhen-2, Align-GVGD) all suggest that this variant is likely to be disruptive. ClinVar contains an entry for this variant (Variation ID: 1063231). This variant has not been reported in the literature in individuals affected with LMNA-related conditions. This variant is not present in population databases (gnomAD no frequency). This sequence change replaces arginine, which is basic and polar, with cysteine, which is neutral and slightly polar, at codon 119 of the LMNA protein (p.Arg119Cys).